The following is an entry in ClinVar:

NM_000540.3(RYR1):c.14567C>G (p.Ala4856Gly)

Gene: RYR1 (ryanodine receptor 1; plus strand). Cytogenetic location: 19q13.2.
Variant type: single nucleotide variant.
Coding change: c.14567C>G on transcript NM_000540.3 (MANE Select); coding-DNA position 14567, C replaced by G.
Protein change: p.Ala4856Gly; replaces alanine 4856 with glycine.
Molecular consequence: missense variant.
Genome position (GRCh38, 1-based): chr19:38,580,425, C>G. VCF-style: chr19-38580425-C-G. GRCh37 (hg19) VCF-style: chr19-39071065-C-G.
Other names: NM_000540.2(RYR1):c.14567C>G; c.14552C>G, p.Ala4851Gly (NM_001042723.2); short protein forms A4856G, A4851G.
Identifiers: ClinVar variation 133077 (VCV000133077.4), dbSNP rs193922880, ClinGen allele CA024172.

ClinVar aggregate classification (germline): Uncertain significance. Review status: reviewed by expert panel (3 of 4 stars). 2 submissions from 2 submitters: Uncertain significance (1). 1 of the submissions does not count toward it. Last evaluated 2025-08-01.

Conditions:
Malignant hyperthermia of anesthesia. Also called: Anesthesic-triggered malignant hyperthermia. Identifiers: Orphanet 423, MedGen C0024591, MONDO:0018493, HP:0034733.

Submissions (2):

ClinGen Malignant Hyperthermia Susceptibility Variant Curation Expert Panel, ClinGen
Classification: Uncertain significance for Malignant hyperthermia of anesthesia. Last evaluated: 2025-08-01. Review status: reviewed by expert panel. Criteria: ClinGen MHS ACMG Specifications V2. Collection method: curation. Allele origin: germline. Inheritance: Autosomal dominant inheritance.
Comment: This pathogenicity assessment is relevant only for malignant hyperthermia susceptibility (MHS) inherited in an autosomal dominant pattern. Variants in RYR1 can also cause other myopathies inherited in an autosomal dominant pattern or in an autosomal recessive pattern. Some of these disorders may predispose individuals to malignant hyperthermia. RYR1 variants may also contribute to a malignant hyperthermia reaction in combination with other genetic and non-genetic factors and the clinician needs to consider such factors in making management decisions. This sequence variant predicts a substitution of alanine with glycine at codon 4856 of the RYR1 protein, p.Ala4856Gly. This variant was not present in a large population database (gnomAD) at the time this variant was interpreted. This variant has been reported in an individual with a personal or family history of an MH episode without details for in vitro contracture test (IVCT) or caffeine halothane contracture test (CHCT) results (PMID:16917943). No functional studies were identified for this variant. This variant resides in a region of RYR1 considered to be a hotspot for pathogenic variants that contribute to MHS, PM1_Supporting (PMID: 21118704). A REVEL score >0.85 (0.937) supports a pathogenic status for this variant, PP3_Moderate. This variant has been classified as a Variant of Unknown Significance. Criteria implemented: PM1_Supporting, PP3_Moderate.

RYR1 database
No classification provided. Review status: no classification provided. Collection method: not provided. Allele origin: unknown. Not counted in ClinVar's aggregate classification.